The following is an entry in ClinVar:

ClinVar aggregate classification (germline): Uncertain significance (1 of 4 stars; one submission).

Conditions:
Rhabdoid tumor predisposition syndrome 2 (RTPS2). Identifiers: Orphanet 231108, Orphanet 69077, MedGen C2750074, MONDO:0013224, OMIM 613325.

Submission:

Labcorp Genetics (formerly Invitae), Labcorp
Classification: Uncertain significance for Rhabdoid tumor predisposition syndrome 2. Last evaluated: 2025-12-10. Review status: criteria provided, single submitter. Criteria: Invitae Variant Classification Sherloc (09022015). Collection method: clinical testing. Allele origin: germline.
Comment: This variant, c.711_722dup, results in the insertion of 4 amino acid(s) of the SMARCA4 protein (p.Gly241_Pro244dup), but otherwise preserves the integrity of the reading frame. This variant is not present in population databases (gnomAD no frequency). This variant has not been reported in the literature in individuals affected with SMARCA4-related conditions. In summary, the available evidence is currently insufficient to determine the role of this variant in disease. Therefore, it has been classified as a Variant of Uncertain Significance.

NM_003072.5(SMARCA4):c.711_722dup (p.Pro244_Ala245insGlyProGlyPro)

Gene: SMARCA4 (SWI/SNF related BAF chromatin remodeling complex subunit ATPase 4; plus strand). Cytogenetic location: 19p13.2.
Variant type: Duplication.
Coding change: c.711_722dup on transcript NM_003072.5 (MANE Select); coding-DNA positions 711 to 722, 12 bases duplicated (CCCCGGCCCGGG).
Protein change: p.Pro244_Ala245insGlyProGlyPro.
Molecular consequence: non-coding transcript variant (on NR_164683.1).
Genome position (GRCh38, 1-based): chr19:10,986,544-10,986,555, CCCCGGCCCGGG duplicated; duplicating any 12 consecutive bases within chr19:10,986,542-10,986,555 gives the same sequence; the c. name uses the placement nearest the transcript's 3' end. VCF-style (leftmost placement, unchanged base first): chr19-10986541-T-TGGCCCCGGCCCG. GRCh37 (hg19) VCF-style: chr19-11097217-T-TGGCCCCGGCCCG.
Other names: c.711_722dup, p.Pro244_Ala245insGlyProGlyPro (NM_001128844.3, NM_001128845.2, NM_001128846.2 and 6 more transcripts).
Identifiers: ClinVar variation 4774020 (VCV004774020.1).